The following is an entry in ClinVar:

NM_212482.4(FN1):c.6779A>T (p.Asn2260Ile)

Gene: FN1 (fibronectin 1; minus strand). Cytogenetic location: 2q35.
Variant type: single nucleotide variant.
Coding change: c.6779A>T on transcript NM_212482.4 (MANE Select); coding-DNA position 6779, A replaced by T.
Protein change: p.Asn2260Ile; replaces asparagine 2260 with isoleucine.
Molecular consequence: missense variant.
Genome position (GRCh38, 1-based): chr2:215,370,368, T>A on the plus strand (A>T on the coding strand, the complement: FN1 is on the minus strand). VCF-style: chr2-215370368-T-A. GRCh37 (hg19) VCF-style: chr2-216235091-T-A.
Other names: c.6686A>T, p.Asn2229Ile (NM_001306129.2); c.6149A>T, p.Asn2050Ile (NM_001306130.2); c.6143A>T, p.Asn2048Ile (NM_001306131.2); c.6068A>T, p.Asn2023Ile (NM_001306132.2); c.6509A>T, p.Asn2170Ile (NM_001365517.2); c.6506A>T, p.Asn2169Ile (NM_001365518.2); c.6434A>T, p.Asn2145Ile (NM_001365519.2); c.6431A>T, p.Asn2144Ile (NM_001365520.2); and 8 more; short protein forms N2079I, N2113I, N2139I, N2145I, N2229I, N2049I, N2050I, N2169I.
Identifiers: ClinVar variation 4620140 (VCV004620140.2).

ClinVar aggregate classification (germline): Uncertain significance. Review status: criteria provided, multiple submitters, no conflicts (2 of 4 stars). 2 submissions from 2 submitters: Uncertain significance (2). Last evaluated 2025-11-08.

Conditions:
Inborn genetic diseases. Identifiers: MedGen C0950123, MeSH D030342.

gnomAD v4.1: 5 of 1,613,546 alleles (0.00031%); highest among the groups gnomAD compares: South Asian, 0.0011%; no homozygotes.

Submissions (2):

Ambry Genetics
Classification: Uncertain significance for Inborn genetic diseases. Last evaluated: 2025-11-08. Review status: criteria provided, single submitter. Criteria: Ambry Variant Classification Scheme 2023. Collection method: clinical testing. Allele origin: germline.

Labcorp Genetics (formerly Invitae), Labcorp
Classification: Uncertain significance. Last evaluated: 2025-06-29. Review status: criteria provided, single submitter. Criteria: Invitae Variant Classification Sherloc (09022015). Collection method: clinical testing. Allele origin: germline.
Comment: This sequence change replaces asparagine, which is neutral and polar, with isoleucine, which is neutral and non-polar, at codon 2260 of the FN1 protein (p.Asn2260Ile). This variant is not present in population databases (gnomAD no frequency). This variant has not been reported in the literature in individuals affected with FN1-related conditions. An algorithm developed to predict the effect of missense changes on protein structure and function (PolyPhen-2) suggests that this variant is likely to be disruptive. In summary, the available evidence is currently insufficient to determine the role of this variant in disease. Therefore, it has been classified as a Variant of Uncertain Significance.